The following is an entry in ClinVar:

NM_005984.5(SLC25A1):c.95-70G>C

Gene: SLC25A1 (solute carrier family 25 member 1; minus strand). Cytogenetic location: 22q11.21.
Variant type: single nucleotide variant.
Coding change: c.95-70G>C on transcript NM_005984.5 (MANE Select); 70 bases into the intron before coding-DNA position 95, G replaced by C.
Molecular consequence: intron variant. On other transcripts: missense variant (1).
Genome position (GRCh38, 1-based): chr22:19,178,310, C>G on the plus strand (G>C on the coding strand, the complement: SLC25A1 is on the minus strand). VCF-style: chr22-19178310-C-G. GRCh37 (hg19) VCF-style: chr22-19165823-C-G.
Other names: c.46G>C, p.Gly16Arg (NM_001256534.2); c.-215-70G>C (NM_001287387.2); short protein forms G16R.
Identifiers: ClinVar variation 381431 (VCV000381431.26), dbSNP rs558632091, ClinGen allele CA10097533.
Genomic context (GRCh38, chr22:19,178,310, plus strand): 5'-CCGGGAACCCGCTCCTGAGACTCCCGCCCGGCCGCTGGCGCTCGGGCCCCTCCCCCGTCC[C>G]GGACTTCGGTCGGCGCGGCCGCCGCGCCAGTGCCGCGGGGAACATAGGCTGGGGCCCCAC-3'

ClinVar aggregate classification (germline): Benign/Likely benign. Review status: criteria provided, multiple submitters, no conflicts (2 of 4 stars). 3 submissions from 3 submitters: Benign (2); Likely benign (1). Last evaluated 2023-02-01.

Allele frequency attached by ClinVar (database versions not stated): TOPMed 0.00224; 1000 Genomes Project 0.00339; 1000 Genomes Project 30x 0.00390; ExAC 0.00703.
gnomAD v4.1: 3,881 of 1,530,038 alleles (0.25%); highest among the groups gnomAD compares: Middle Eastern, 3.1%; 22 homozygotes.

Submissions (3):

CeGaT Center for Human Genetics Tuebingen
Classification: Likely benign. Last evaluated: 2023-02-01. Review status: criteria provided, single submitter. Criteria: CeGaT Center For Human Genetics Tuebingen Variant Classification Criteria Version 2. Collection method: clinical testing. Allele origin: germline. Affected: yes. Observed: 4 variant alleles.
Comment: SLC25A1: BS1

GeneDx
Classification: Benign. Last evaluated: 2016-12-16. Review status: criteria provided, single submitter. Criteria: GeneDx Variant Classification (06012015). Collection method: clinical testing. Allele origin: germline. Affected: yes.
Comment: This variant is considered likely benign or benign based on one or more of the following criteria: it is a conservative change, it occurs at a poorly conserved position in the protein, it is predicted to be benign by multiple in silico algorithms, and/or has population frequency not consistent with disease.

Breakthrough Genomics
Classification: Benign. Review status: criteria provided, single submitter. Criteria: ACMG Guidelines, 2015. Collection method: not provided. Allele origin: germline. Inheritance: Autosomal recessive inheritance. Affected: yes.